The following is an entry in ClinVar:

ClinVar aggregate classification (germline): Uncertain significance (1 of 4 stars; one submission).

Conditions:
Epileptic encephalopathy. Identifiers: MedGen C0543888, HP:0200134.

Allele frequency attached by ClinVar (database versions not stated): gnomAD 0.00001; gnomAD exomes 0.00002; ExAC 0.00005.
gnomAD v4.1: 10 of 1,552,844 alleles (0.00064%); highest among the groups gnomAD compares: African/African-American, 0.0014%; no homozygotes.

Submission:

Labcorp Genetics (formerly Invitae), Labcorp
Classification: Uncertain significance for Epileptic encephalopathy. Last evaluated: 2022-03-19. Review status: criteria provided, single submitter. Criteria: Invitae Variant Classification Sherloc (09022015). Collection method: clinical testing. Allele origin: germline.
Comment: Algorithms developed to predict the effect of missense changes on protein structure and function are either unavailable or do not agree on the potential impact of this missense change (SIFT: "Deleterious"; PolyPhen-2: "Probably Damaging"; Align-GVGD: "Class C0"). ClinVar contains an entry for this variant (Variation ID: 1015239). This variant has not been reported in the literature in individuals affected with RYR3-related conditions. The frequency data for this variant in the population databases is considered unreliable, as metrics indicate poor data quality at this position in the gnomAD database. This sequence change replaces arginine, which is basic and polar, with cysteine, which is neutral and slightly polar, at codon 3776 of the RYR3 protein (p.Arg3776Cys). In summary, the available evidence is currently insufficient to determine the role of this variant in disease. Therefore, it has been classified as a Variant of Uncertain Significance.

NM_001036.6(RYR3):c.11326C>T (p.Arg3776Cys)

Gene: RYR3 (ryanodine receptor 3; plus strand). Cytogenetic location: 15q14.
Variant type: single nucleotide variant.
Coding change: c.11326C>T on transcript NM_001036.6 (MANE Select); coding-DNA position 11326, C replaced by T.
Protein change: p.Arg3776Cys; replaces arginine 3776 with cysteine.
Molecular consequence: missense variant.
Genome position (GRCh38, 1-based): chr15:33,827,279, C>T. VCF-style: chr15-33827279-C-T. GRCh37 (hg19) VCF-style: chr15-34119480-C-T.
Other names: c.11311C>T, p.Arg3771Cys (NM_001243996.4); short protein forms R3771C, R3776C.
Identifiers: ClinVar variation 1015239 (VCV001015239.10), dbSNP rs747918264, ClinGen allele CA7461196.